The following is an entry in ClinVar:

ClinVar aggregate classification (germline): Uncertain significance. Review status: criteria provided, multiple submitters, no conflicts (2 of 4 stars). 2 submissions from 2 submitters: Uncertain significance (2). Last evaluated 2025-04-25.

Conditions:
Inborn genetic diseases. Identifiers: MedGen C0950123, MeSH D030342.

Submissions (2):

Ambry Genetics
Classification: Uncertain significance for Inborn genetic diseases. Last evaluated: 2025-04-25. Review status: criteria provided, single submitter. Criteria: Ambry Variant Classification Scheme 2023. Collection method: clinical testing. Allele origin: germline.

Labcorp Genetics (formerly Invitae), Labcorp
Classification: Uncertain significance. Last evaluated: 2022-03-11. Review status: criteria provided, single submitter. Criteria: Invitae Variant Classification Sherloc (09022015). Collection method: clinical testing. Allele origin: germline.
Comment: In summary, the available evidence is currently insufficient to determine the role of this variant in disease. Therefore, it has been classified as a Variant of Uncertain Significance. Algorithms developed to predict the effect of missense changes on protein structure and function are either unavailable or do not agree on the potential impact of this missense change (SIFT: "Deleterious"; PolyPhen-2: "Possibly Damaging"; Align-GVGD: "Class C0"). This variant has not been reported in the literature in individuals affected with DVL3-related conditions. This variant is not present in population databases (gnomAD no frequency). This sequence change replaces proline, which is neutral and non-polar, with serine, which is neutral and polar, at codon 660 of the DVL3 protein (p.Pro660Ser).

NM_004423.4(DVL3):c.1978C>T (p.Pro660Ser)

Gene: DVL3 (dishevelled segment polarity protein 3; plus strand). Cytogenetic location: 3q27.1.
Variant type: single nucleotide variant.
Coding change: c.1978C>T on transcript NM_004423.4 (MANE Select); coding-DNA position 1978, C replaced by T.
Protein change: p.Pro660Ser; replaces proline 660 with serine.
Molecular consequence: missense variant.
Genome position (GRCh38, 1-based): chr3:184,170,582, C>T. VCF-style: chr3-184170582-C-T. GRCh37 (hg19) VCF-style: chr3-183888370-C-T.
Other names: c.1978C>T (NM_004423.3); short protein forms P660S.
Identifiers: ClinVar variation 1970252 (VCV001970252.6), dbSNP rs2473706200, ClinGen allele CA355416443.